The following is an entry in ClinVar:

NM_000137.4(FAH):c.408C>T (p.Asn136=)

Gene: FAH (fumarylacetoacetate hydrolase; plus strand). Cytogenetic location: 15q25.1.
Variant type: single nucleotide variant.
Coding change: c.408C>T on transcript NM_000137.4 (MANE Select); coding-DNA position 408, C replaced by T.
Protein change: p.Asn136=; no amino-acid change (asparagine 136 retained).
Molecular consequence: synonymous variant.
Genome position (GRCh38, 1-based): chr15:80,162,289, C>T. VCF-style: chr15-80162289-C-T. GRCh37 (hg19) VCF-style: chr15-80454631-C-T.
Other names: c.408C>T (NM_000137.2); c.408C>T, p.Asn136= (NM_001374377.1, NM_001374380.1).
Identifiers: ClinVar variation 1103371 (VCV001103371.14), dbSNP rs111972793, ClinGen allele CA7691147.

ClinVar aggregate classification (germline): Likely benign. Review status: criteria provided, single submitter (1 of 4 stars). 3 submissions from 3 submitters: Likely benign (1). 2 of the submissions do not count toward it. Last evaluated 2025-09-15.

Conditions:
FAH-related disorder. Also called: FAH-related condition.
Tyrosinemia type I (TYRSN1). Also called: HEPATORENAL TYROSINEMIA; Tyrosinemia type 1; Fumarylacetoacetase deficiency; Deficiency of fumarylacetoacetase; FAH DEFICIENCY. Identifiers: Orphanet 882, MedGen C0268490, MONDO:0010161, OMIM 276700. Disease mechanism: loss of function.

Allele frequency attached by ClinVar (database versions not stated): gnomAD exomes 0.00003 and 0.00005; gnomAD 0.00004 and 0.00005; TOPMed 0.00004; ExAC 0.00007.
gnomAD v4.1: 54 of 1,614,210 alleles (0.0033%); highest among the groups gnomAD compares: East Asian, 0.0067%; no homozygotes.

Submissions (3):

Labcorp Genetics (formerly Invitae), Labcorp
Classification: Likely benign for Tyrosinemia type I. Last evaluated: 2025-09-15. Review status: criteria provided, single submitter. Criteria: Invitae Variant Classification Sherloc (09022015). Collection method: clinical testing. Allele origin: germline.

Natera, Inc.
Classification: Likely benign for Tyrosinemia type I. Last evaluated: 2021-10-18. Review status: no assertion criteria provided. Collection method: clinical testing. Allele origin: germline. Not counted in ClinVar's aggregate classification.

PreventionGenetics, part of Exact Sciences
Classification: Likely benign for FAH-related condition. Last evaluated: 2021-03-24. Review status: no assertion criteria provided. Collection method: clinical testing. Allele origin: germline. Not counted in ClinVar's aggregate classification.
Comment: This variant is classified as likely benign based on ACMG/AMP sequence variant interpretation guidelines (Richards et al. 2015 PMID: 25741868, with internal and published modifications).